The following is an entry in ClinVar:

NM_001497.4(B4GALT1):c.-35G>T

Genes: B4GALT1 (beta-1,4-galactosyltransferase 1; minus strand), B4GALT1-AS1 (B4GALT1 antisense RNA 1; plus strand). Cytogenetic location: 9p21.1.
Variant type: single nucleotide variant.
Coding change: c.-35G>T on transcript NM_001497.4 (MANE Select); 35 bases upstream of the start codon, G replaced by T.
Molecular consequence: 5 prime UTR variant.
Genome position (GRCh38, 1-based): chr9:33,167,204, C>A on the plus strand (G>T on the coding strand, the complement: B4GALT1 is on the minus strand). VCF-style: chr9-33167204-C-A. GRCh37 (hg19) VCF-style: chr9-33167202-C-A.
Other names: c.-35G>T (NM_001378496.1, NM_001378497.1).
Identifiers: ClinVar variation 510082 (VCV000510082.1), dbSNP rs1166514148, ClinGen allele CA658797192.
Genomic context (GRCh38, chr9:33,167,204, plus strand): 5'-CTCAGGAGCGGCTCCCGAAGCCTCATCTTCCCGCCGCCGCTTTAAGAAGGGTGTGGGCTA[C>A]AGGAGGGGAGGCGACCCGCCCGCGGGCCGCCCGCCAGGCGCTGCCCCACAGCGGCGACTA-3'

ClinVar aggregate classification (germline): Likely benign (1 of 4 stars; one submission).

Submission:

GeneDx
Classification: Likely benign. Last evaluated: 2017-06-16. Review status: criteria provided, single submitter. Criteria: GeneDx Variant Classification (06012015). Collection method: clinical testing. Allele origin: germline. Affected: yes.
Comment: This variant is considered likely benign or benign based on one or more of the following criteria: it is a conservative change, it occurs at a poorly conserved position in the protein, it is predicted to be benign by multiple in silico algorithms, and/or has population frequency not consistent with disease.